The following is an entry in ClinVar:

NM_017763.6(RNF43):c.1984G>A (p.Glu662Lys)

Gene: RNF43 (ring finger protein 43; minus strand). Cytogenetic location: 17q22.
Variant type: single nucleotide variant.
Coding change: c.1984G>A on transcript NM_017763.6 (MANE Select); coding-DNA position 1984, G replaced by A.
Protein change: p.Glu662Lys; replaces glutamic acid 662 with lysine.
Molecular consequence: missense variant.
Genome position (GRCh38, 1-based): chr17:58,357,792, C>T on the plus strand (G>A on the coding strand, the complement: RNF43 is on the minus strand). VCF-style: chr17-58357792-C-T. GRCh37 (hg19) VCF-style: chr17-56435153-C-T.
Other names: c.1984G>A, p.Glu662Lys (NM_001305544.3); c.1603G>A, p.Glu535Lys (NM_001305545.2); short protein forms E535K, E662K.
Identifiers: ClinVar variation 1011013 (VCV001011013.9), dbSNP rs768648593, ClinGen allele CA8673077.

ClinVar aggregate classification (germline): Uncertain significance. Review status: criteria provided, multiple submitters, no conflicts (2 of 4 stars). 2 submissions from 2 submitters: Uncertain significance (2). Last evaluated 2023-11-26.

Conditions:
Sessile serrated polyposis cancer syndrome (SSPCS). Identifiers: Orphanet 157798, MedGen C4310714, MONDO:0014919, OMIM 617108.

Allele frequency attached by ClinVar (database versions not stated): ExAC 0.00001; gnomAD exomes 0.00001; TOPMed 0.00001.
gnomAD v4.1: 15 of 1,613,984 alleles (0.00093%); highest among the groups gnomAD compares: East Asian, 0.0045%; no homozygotes.

Submissions (2):

Baylor Genetics
Classification: Uncertain significance for Sessile serrated polyposis cancer syndrome. Last evaluated: 2023-11-26. Review status: criteria provided, single submitter. Criteria: ACMG Guidelines, 2015. Collection method: clinical testing. Allele origin: unknown.

Labcorp Genetics (formerly Invitae), Labcorp
Classification: Uncertain significance. Last evaluated: 2020-03-12. Review status: criteria provided, single submitter. Criteria: Invitae Variant Classification Sherloc (09022015). Collection method: clinical testing. Allele origin: germline.
Comment: In summary, the available evidence is currently insufficient to determine the role of this variant in disease. Therefore, it has been classified as a Variant of Uncertain Significance. Algorithms developed to predict the effect of missense changes on protein structure and function are either unavailable or do not agree on the potential impact of this missense change (SIFT: "Deleterious"; PolyPhen-2: "Benign"; Align-GVGD: "Class C0"). This variant has not been reported in the literature in individuals with RNF43-related conditions. This variant is present in population databases (rs768648593, ExAC 0.002%). This sequence change replaces glutamic acid with lysine at codon 662 of the RNF43 protein (p.Glu662Lys). The glutamic acid residue is moderately conserved and there is a small physicochemical difference between glutamic acid and lysine.